The following is an entry in ClinVar:

ClinVar aggregate classification (germline): Conflicting classifications of pathogenicity. Review status: criteria provided, conflicting classifications (1 of 4 stars). 2 submissions from 2 submitters: Likely pathogenic (1); Uncertain significance (1). Last evaluated 2024-11-30.

Conditions:
Bardet-Biedl syndrome (BBS). Identifiers: Orphanet 110, MedGen C0752166, MONDO:0015229.
WDPCP-related disorder. Also called: WDPCP-related condition.

gnomAD v4.1: 2 of 1,586,036 alleles (0.00013%); highest among the groups gnomAD compares: Non-Finnish European, 0.00017%; no homozygotes.

Submissions (2):

PreventionGenetics, part of Exact Sciences
Classification: Uncertain significance for WDPCP-related condition. Last evaluated: 2024-11-30. Review status: criteria provided, single submitter. Criteria: ACMG Guidelines, 2015. Collection method: clinical testing. Allele origin: germline.
Comment: The WDPCP c.161-1G>C variant is predicted to disrupt the AG splice acceptor site and interfere with normal splicing. To our knowledge, this variant has not been reported in the literature. This variant is reported in 0.00089% of alleles in individuals of European (Non-Finnish) descent in gnomAD. Although we suspect that this variant may be pathogenic, at this time, the clinical significance of this variant is uncertain due to the absence of conclusive functional and genetic evidence.

Labcorp Genetics (formerly Invitae), Labcorp
Classification: Likely pathogenic for Bardet-Biedl syndrome. Last evaluated: 2022-01-16. Review status: criteria provided, single submitter. Criteria: Invitae Variant Classification Sherloc (09022015). Collection method: clinical testing. Allele origin: germline.
Comment: This sequence change affects an acceptor splice site in intron 2 of the WDPCP gene. It is expected to disrupt RNA splicing. Variants that disrupt the donor or acceptor splice site typically lead to a loss of protein function (PMID: 16199547), and loss-of-function variants in WDPCP are known to be pathogenic (PMID: 20671153, 25427950, 27158779). This variant is present in population databases (no rsID available, gnomAD 0.0009%). This variant has not been reported in the literature in individuals affected with WDPCP-related conditions. Algorithms developed to predict the effect of sequence changes on RNA splicing suggest that this variant may disrupt the consensus splice site. In summary, the currently available evidence indicates that the variant is pathogenic, but additional data are needed to prove that conclusively. Therefore, this variant has been classified as Likely Pathogenic.

Literature cited by the submitters: PubMed 16199547 (cited by Labcorp Genetics (formerly Invitae), Labcorp); PubMed 20671153 (cited by Labcorp Genetics (formerly Invitae), Labcorp); PubMed 25427950 (cited by Labcorp Genetics (formerly Invitae), Labcorp); PubMed 27158779 (cited by Labcorp Genetics (formerly Invitae), Labcorp).

NM_015910.7(WDPCP):c.161-1G>C

Gene: WDPCP (WD repeat containing planar cell polarity effector; minus strand). Cytogenetic location: 2p15.
Variant type: single nucleotide variant.
Coding change: c.161-1G>C on transcript NM_015910.7 (MANE Select); the canonical splice acceptor site of the intron before coding-DNA position 161, G replaced by C.
Molecular consequence: splice acceptor variant.
Genome position (GRCh38, 1-based): chr2:63,487,495, C>G on the plus strand (G>C on the coding strand, the complement: WDPCP is on the minus strand). VCF-style: chr2-63487495-C-G. GRCh37 (hg19) VCF-style: chr2-63714629-C-G.
Other names: c.89-1G>C (NM_001354044.2); c.161-1G>C (NM_001354045.2, NM_015910.5).
Identifiers: ClinVar variation 2086068 (VCV002086068.2), dbSNP rs1177318115, ClinGen allele CA347066282.